The following is an entry in ClinVar:

ClinVar aggregate classification (germline): Uncertain significance. Review status: criteria provided, multiple submitters, no conflicts (2 of 4 stars). 3 submissions from 3 submitters: Uncertain significance (2). 1 of the submissions does not count toward it. Last evaluated 2025-12-08.

Conditions:
ELN-related disorder.
Inborn genetic diseases. Identifiers: MedGen C0950123, MeSH D030342.
Supravalvar aortic stenosis (SVAS). Also called: Supravalvar aortic stenosis, Eisenberg type. Identifiers: Orphanet 3193, MedGen C0003499, MONDO:0008504, OMIM 185500, HP:0004381.

gnomAD v4.1: 6 of 1,610,874 alleles (0.00037%); highest among the groups gnomAD compares: East Asian, 0.0022%; no homozygotes.

Submissions (3):

Ambry Genetics
Classification: Uncertain significance for Inborn genetic diseases. Last evaluated: 2025-12-08. Review status: criteria provided, single submitter. Criteria: Ambry Variant Classification Scheme 2023. Collection method: clinical testing. Allele origin: germline.

Labcorp Genetics (formerly Invitae), Labcorp
Classification: Uncertain significance for Supravalvar aortic stenosis. Last evaluated: 2024-06-13. Review status: criteria provided, single submitter. Criteria: Invitae Variant Classification Sherloc (09022015). Collection method: clinical testing. Allele origin: germline.
Comment: This sequence change replaces alanine, which is neutral and non-polar, with valine, which is neutral and non-polar, at codon 6 of the ELN protein (p.Ala6Val). This variant is present in population databases (rs782601747, gnomAD 0.005%). This variant has not been reported in the literature in individuals affected with ELN-related conditions. Advanced modeling of protein sequence and biophysical properties (such as structural, functional, and spatial information, amino acid conservation, physicochemical variation, residue mobility, and thermodynamic stability) performed at Invitae indicates that this missense variant is not expected to disrupt ELN protein function with a negative predictive value of 80%. In summary, the available evidence is currently insufficient to determine the role of this variant in disease. Therefore, it has been classified as a Variant of Uncertain Significance.

PreventionGenetics, part of Exact Sciences
Classification: Uncertain significance for ELN-related condition. Last evaluated: 2024-07-15. Review status: no assertion criteria provided. Collection method: clinical testing. Allele origin: germline. Not counted in ClinVar's aggregate classification.
Comment: The ELN c.17C>T variant is predicted to result in the amino acid substitution p.Ala6Val. To our knowledge, this variant has not been reported in the literature. This variant is reported in 0.0051% of alleles in individuals of East Asian descent in gnomAD. At this time, the clinical significance of this variant is uncertain due to the absence of conclusive functional and genetic evidence.

NM_000501.4(ELN):c.17C>T (p.Ala6Val)

Gene: ELN (elastin; plus strand). Cytogenetic location: 7q11.23.
Variant type: single nucleotide variant.
Coding change: c.17C>T on transcript NM_000501.4 (MANE Select); coding-DNA position 17, C replaced by T.
Protein change: p.Ala6Val; replaces alanine 6 with valine.
Molecular consequence: missense variant.
Genome position (GRCh38, 1-based): chr7:74,028,204, C>T. VCF-style: chr7-74028204-C-T. GRCh37 (hg19) VCF-style: chr7-73442534-C-T.
Other names: c.17C>T, p.Ala6Val (NM_001081752.3, NM_001081753.3, NM_001081754.3 and 9 more transcripts); c.17C>T (NM_000501.2); short protein forms A6V.
Identifiers: ClinVar variation 3351677 (VCV003351677.4).